The following is an entry in ClinVar:

NM_001174150.2(ARL13B):c.598C>T (p.Arg200Cys)

Gene: ARL13B (ARF like GTPase 13B; plus strand). Cytogenetic location: 3q11.2.
Variant type: single nucleotide variant.
Coding change: c.598C>T on transcript NM_001174150.2 (MANE Select); coding-DNA position 598, C replaced by T.
Protein change: p.Arg200Cys; replaces arginine 200 with cysteine.
Molecular consequence: missense variant. On other transcripts: non-coding transcript variant (2).
Genome position (GRCh38, 1-based): chr3:94,036,663, C>T. VCF-style: chr3-94036663-C-T. GRCh37 (hg19) VCF-style: chr3-93755507-C-T.
Other names: c.289C>T, p.Arg97Cys (NM_001174151.2); c.553C>T, p.Arg185Cys (NM_001321328.2); c.277C>T, p.Arg93Cys (NM_144996.4); c.598C>T, p.Arg200Cys (NM_182896.3); short protein forms R200C, R185C, R93C, R97C.
Identifiers: ClinVar variation 1993 (VCV000001993.3), dbSNP rs121912608, ClinGen allele CA252023.

ClinVar aggregate classification (germline): Pathogenic/Likely pathogenic. Review status: criteria provided, multiple submitters, no conflicts (2 of 4 stars). 4 submissions from 4 submitters: Pathogenic (1); Likely pathogenic (2). 1 of the submissions does not count toward it. Last evaluated 2024-05-31.

Conditions:
Joubert syndrome and related disorders. Identifiers: Orphanet 140874, MedGen C5679612, MONDO:0015369.
Joubert syndrome 8 (JBTS8). Identifiers: Orphanet 475, MedGen C2676771, MONDO:0012855, OMIM 612291.

Allele frequency attached by ClinVar (database versions not stated): TOPMed below 0.00001.

Submissions (4):

Fulgent Genetics
Classification: Likely pathogenic for Joubert syndrome 8. Last evaluated: 2024-05-31. Review status: criteria provided, single submitter. Criteria: ACMG Guidelines, 2015. Collection method: clinical testing. Allele origin: germline.

Women's Health and Genetics/Laboratory Corporation of America, LabCorp
Classification: Likely pathogenic for Joubert syndrome and related disorders. Last evaluated: 2023-08-29. Review status: criteria provided, single submitter. Criteria: LabCorp Variant Classification Summary - May 2015. Collection method: clinical testing. Allele origin: germline.
Comment: Variant summary: ARL13B c.598C>T (p.Arg200Cys) results in a non-conservative amino acid change located in the C-terminal coiled-coiled domain (Higginbotham_2012) of the encoded protein sequence. Five of five in-silico tools predict a damaging effect of the variant on protein function. The variant was absent in 251344 control chromosomes (gnomAD). c.598C>T has been reported in the literature in at least one compound heterozygous individual affected with Joubert Syndrome (e.g., Cantagrel_2008, Bachmann-Gagescu_2015). These data suggest the variant may be associated with disease. Several publications report experimental evidence evaluating an impact on protein function, finding that the variant is unable to rescue a curved tail and absence of cystic kidney phenotype in a zebrafish model (rescue is reduced 76-85% relative to wild-type; e.g., Cantagrel_2008). Moreover, other studies found the variant displayed moderately severe defects in interneuron migration (e.g., Higginbotham_2012) and in mediating INPP5E ciliary targeting (e.g., Humbert_2012, Fujisawa_2021). The following publications have been ascertained in the context of this evaluation (PMID: 26092869, 18674751, 34447983, 23153492, 23150559, 27153923). One submitter has reported clinical-significance assessments for this variant to ClinVar after 2014 and has classified the variant as pathogenic/likely pathogenic. Additionally, a different missense variant affecting the same codon, c.599G>A (p.Arg200His), has been reported in several individuals affected with Joubert syndrome (PMIDs: 27894351, 27457812, 34645488) and is classified as pathogenic/likely pathogenic in ClinVar. Based on the evidence outlined above, the variant was classified as likely pathogenic.

UW Hindbrain Malformation Research Program, University of Washington
Classification: Pathogenic for Joubert syndrome 8. Last evaluated: 2015-02-23. Review status: criteria provided, single submitter. Criteria: Bachmann-Gagescu et al. (J Med Genet. 2015). Collection method: research. Allele origin: unknown. Affected: yes.

OMIM
Classification: Pathogenic for JOUBERT SYNDROME 8. Last evaluated: 2008-08-01. Review status: no assertion criteria provided. Collection method: literature only. Allele origin: germline. Not counted in ClinVar's aggregate classification.

Literature cited by the submitters: PubMed 26092869 (cited by Women's Health and Genetics/Laboratory Corporation of America, LabCorp); PubMed 23153492 (cited by Women's Health and Genetics/Laboratory Corporation of America, LabCorp); PubMed 27153923 (cited by Women's Health and Genetics/Laboratory Corporation of America, LabCorp); PubMed 18674751 (cited by Women's Health and Genetics/Laboratory Corporation of America, LabCorp and OMIM); PubMed 34447983 (cited by Women's Health and Genetics/Laboratory Corporation of America, LabCorp); PubMed 23150559 (cited by Women's Health and Genetics/Laboratory Corporation of America, LabCorp).